The following is an entry in ClinVar:

ClinVar aggregate classification (germline): Uncertain significance (1 of 4 stars; one submission).

Conditions:
Oto-palato-digital syndrome, type II (OPD2). Also called: FACIOPALATOOSSEOUS SYNDROME; OPD II SYNDROME; Otopalatodigital Syndrome, Type II; Otopalatodigital Syndrome Type 2 (FLNA-OPD2). Identifiers: Orphanet 669, Orphanet 90652, MedGen C1844696, MONDO:0010571, OMIM 304120.
Heterotopia, periventricular, X-linked dominant (PVNH1). Also called: PERIVENTRICULAR NODULAR HETEROTOPIA 1; X-linked periventricular heterotopia; PERIVENTRICULAR NODULAR HETEROTOPIA 4; HETEROTOPIA, PERIVENTRICULAR, 1. Identifiers: Orphanet 2149, Orphanet 82004, MedGen C1848213, MONDO:0010233, OMIM 300049.
Frontometaphyseal dysplasia (FMD1). Identifiers: Orphanet 1826, MedGen C0265293, MONDO:0015942.
Melnick-Needles syndrome (MNS). Also called: MELNICK-NEEDLES OSTEODYSPLASTY; OSTEODYSPLASTY OF MELNICK AND NEEDLES; Melnick-Needles Syndrome (FLNA-MNS). Identifiers: Orphanet 2484, MedGen C0025237, MONDO:0010650, OMIM 309350.

Submission:

Labcorp Genetics (formerly Invitae), Labcorp
Classification: Uncertain significance for Oto-palato-digital syndrome, type II; Heterotopia, periventricular, X-linked dominant; Frontometaphyseal dysplasia; Melnick-Needles syndrome. Last evaluated: 2025-05-02. Review status: criteria provided, single submitter. Criteria: Invitae Variant Classification Sherloc (09022015). Collection method: clinical testing. Allele origin: germline.
Comment: This sequence change replaces methionine, which is neutral and non-polar, with arginine, which is basic and polar, at codon 154 of the FLNA protein (p.Met154Arg). This variant is not present in population databases (gnomAD no frequency). This variant has not been reported in the literature in individuals affected with FLNA-related conditions. ClinVar contains an entry for this variant (Variation ID: 2947206). Invitae Evidence Modeling of protein sequence and biophysical properties (such as structural, functional, and spatial information, amino acid conservation, physicochemical variation, residue mobility, and thermodynamic stability) has been performed for this missense variant. However, the output from this modeling did not meet the statistical confidence thresholds required to predict the impact of this variant on FLNA protein function. Algorithms developed to predict the effect of sequence changes on RNA splicing suggest that this variant may create or strengthen a splice site. In summary, the available evidence is currently insufficient to determine the role of this variant in disease. Therefore, it has been classified as a Variant of Uncertain Significance.

NM_001110556.2(FLNA):c.461T>G (p.Met154Arg)

Gene: FLNA (filamin A; minus strand). Cytogenetic location: Xq28.
Variant type: single nucleotide variant.
Coding change: c.461T>G on transcript NM_001110556.2 (MANE Select); coding-DNA position 461, T replaced by G.
Protein change: p.Met154Arg; replaces methionine 154 with arginine.
Molecular consequence: missense variant.
Genome position (GRCh38, 1-based): chrX:154,368,003, A>C on the plus strand (T>G on the coding strand, the complement: FLNA is on the minus strand). VCF-style: chrX-154368003-A-C. GRCh37 (hg19) VCF-style: chrX-153596371-A-C.
Other names: c.461T>G, p.Met154Arg (NM_001456.4); short protein forms M154R.
Identifiers: ClinVar variation 2947206 (VCV002947206.3), dbSNP rs782240483, ClinGen allele CA415250439.